The following is an entry in ClinVar:

ClinVar aggregate classification (germline): Uncertain significance. Review status: criteria provided, multiple submitters, no conflicts (2 of 4 stars). 2 submissions from 2 submitters: Uncertain significance (2). Last evaluated 2020-11-17.

Conditions:
Familial cold autoinflammatory syndrome 2 (FCAS2). Identifiers: Orphanet 247868, MedGen C2673198, MONDO:0012724, OMIM 611762.

Allele frequency attached by ClinVar (database versions not stated): gnomAD exomes below 0.00001.
gnomAD v4.1: 1 of 1,613,966 alleles (0.000062%); highest among the groups gnomAD compares: Non-Finnish European, 0.000085%; no homozygotes.

Submissions (2):

Labcorp Genetics (formerly Invitae), Labcorp
Classification: Uncertain significance for Familial cold autoinflammatory syndrome 2. Last evaluated: 2020-11-17. Review status: criteria provided, single submitter. Criteria: Invitae Variant Classification Sherloc (09022015). Collection method: clinical testing. Allele origin: germline.
Comment: Algorithms developed to predict the effect of missense changes on protein structure and function are either unavailable or do not agree on the potential impact of this missense change (SIFT: "Deleterious"; PolyPhen-2: "Probably Damaging"; Align-GVGD: "Class C0"). This variant has not been reported in the literature in individuals with NLRP12-related conditions. This variant is not present in population databases (ExAC no frequency). This sequence change replaces leucine with phenylalanine at codon 868 of the NLRP12 protein (p.Leu868Phe). The leucine residue is moderately conserved and there is a small physicochemical difference between leucine and phenylalanine. In summary, the available evidence is currently insufficient to determine the role of this variant in disease. Therefore, it has been classified as a Variant of Uncertain Significance.

ARUP Laboratories, Molecular Genetics and Genomics, ARUP Laboratories
Classification: Uncertain significance for Familial cold autoinflammatory syndrome 2. Last evaluated: 2020-01-31. Review status: criteria provided, single submitter. Criteria: ARUP Molecular Germline Variant Investigation Process. Collection method: clinical testing. Allele origin: germline.
Comment: The NLRP12 c.2602C>T; p.Leu868Phe variant, to our knowledge, is not reported in the medical literature or gene-specific databases. The variant is also absent from general population databases (Exome Variant Server, Genome Aggregation Database), indicating it is not a common polymorphism. The leucine at codon 868 is moderately conserved, occurs in the leucine rich region, and computational analyses (SIFT: Tolerated, PolyPhen-2: Probably Damaging) predict conflicting effects of this variant on protein structure/function. Due to limited information, the clinical significance of the p.Leu868Phe variant is uncertain at this time.

NM_144687.4(NLRP12):c.2602C>T (p.Leu868Phe)

Gene: NLRP12 (NLR family pyrin domain containing 12; minus strand). Cytogenetic location: 19q13.42.
Variant type: single nucleotide variant.
Coding change: c.2602C>T on transcript NM_144687.4 (MANE Select); coding-DNA position 2602, C replaced by T.
Protein change: p.Leu868Phe; replaces leucine 868 with phenylalanine.
Molecular consequence: missense variant.
Genome position (GRCh38, 1-based): chr19:53,801,381, G>A on the plus strand (C>T on the coding strand, the complement: NLRP12 is on the minus strand). VCF-style: chr19-53801381-G-A. GRCh37 (hg19) VCF-style: chr19-54304635-G-A.
Other names: c.2605C>T, p.Leu869Phe (NM_001277126.2); c.2602C>T, p.Leu868Phe (NM_001277129.1); short protein forms L868F, L869F.
Identifiers: ClinVar variation 993623 (VCV000993623.15), dbSNP rs1600683649, ClinGen allele CA407408764.
Genomic context (GRCh38, chr19:53,801,381, plus strand): 5'-CTCTCAGGCTCTGGTTCACACTGAGAGTTGAGGCCAGCTCGTCACAGGCAGCAGCAGTGA[G>A]GCGGCAGATCTTCAGCCTGCACAAAGTCCAATTCAACAAGCATTATGGAGGCTTTCCTTT-3'
Protein context (NP_653288.1, residues 858-878): LRTLWLKICR[Leu868Phe]TAAACDELAS